The following is an entry in ClinVar:

ClinVar aggregate classification (germline): Conflicting classifications of pathogenicity. Review status: criteria provided, conflicting classifications (1 of 4 stars). 5 submissions from 5 submitters: Uncertain significance (3); Likely benign (2). Last evaluated 2026-01-14.

Conditions:
Hereditary cancer-predisposing syndrome. Also called: Hereditary Cancer Syndrome; Tumor predisposition; Neoplastic Syndromes, Hereditary; Hereditary neoplastic syndrome. Identifiers: Orphanet 140162, MedGen C0027672, MeSH D009386, MONDO:0015356.
Birt-Hogg-Dube syndrome. Also called: Birt Hogg Dubé syndrome. Identifiers: Orphanet 122, MedGen C0346010, MONDO:0800444.
Nonpapillary renal cell carcinoma. Identifiers: Orphanet 422526, MedGen CN074294, MONDO:0007763, OMIM 144700.
Birt-Hogg-Dube syndrome 1 (BHD1). Also called: FIBROFOLLICULOMAS WITH TRICHODISCOMAS AND ACROCHORDONS. Identifiers: Orphanet 122, MedGen CN375946, MONDO:0800445, OMIM 135150.
Colorectal cancer. Also called: Colorectal cancer, somatic; Malignant Colorectal Neoplasm. Identifiers: MedGen C0346629, MONDO:0005575, OMIM 114500.
Familial spontaneous pneumothorax (PSP). Identifiers: Orphanet 2903, MedGen C1868193, MONDO:0008259, OMIM 173600.

Allele frequency attached by ClinVar (database versions not stated): TOPMed below 0.00001; gnomAD 0.00001; gnomAD exomes 0.00001 and 0.00002; ExAC 0.00002.
gnomAD v4.1: 13 of 1,614,026 alleles (0.00081%); highest among the groups gnomAD compares: South Asian, 0.0055%; no homozygotes.

Submissions (5):

Labcorp Genetics (formerly Invitae), Labcorp
Classification: Uncertain significance for Birt-Hogg-Dube syndrome. Last evaluated: 2026-01-14. Review status: criteria provided, single submitter. Criteria: Invitae Variant Classification Sherloc (09022015). Collection method: clinical testing. Allele origin: germline.
Comment: This sequence change replaces alanine, which is neutral and non-polar, with threonine, which is neutral and polar, at codon 64 of the FLCN protein (p.Ala64Thr). The frequency data for this variant in the population databases is considered unreliable, as metrics indicate poor data quality at this position in the gnomAD database. This variant has not been reported in the literature in individuals affected with FLCN-related conditions. ClinVar contains an entry for this variant (Variation ID: 650488). Invitae Evidence Modeling of protein sequence and biophysical properties (such as structural, functional, and spatial information, amino acid conservation, physicochemical variation, residue mobility, and thermodynamic stability) indicates that this missense variant is not expected to disrupt FLCN protein function with a negative predictive value of 80%. In summary, the available evidence is currently insufficient to determine the role of this variant in disease. Therefore, it has been classified as a Variant of Uncertain Significance.

Myriad Genetics, Inc.
Classification: Likely benign for Birt-Hogg-Dube syndrome 1. Last evaluated: 2024-08-09. Review status: criteria provided, single submitter. Criteria: Myriad Autosomal Dominant, Autosomal Recessive and X-Linked Classification Criteria (2023). Collection method: clinical testing. Allele origin: unknown.
Comment: This variant is considered likely benign. This variant has been observed at a population frequency that is significantly greater than expected given the associated disease prevalence and penetrance.

Fulgent Genetics
Classification: Uncertain significance for Colorectal cancer; Birt-Hogg-Dube syndrome 1; Nonpapillary renal cell carcinoma; Familial spontaneous pneumothorax. Last evaluated: 2024-03-08. Review status: criteria provided, single submitter. Criteria: ACMG Guidelines, 2015. Collection method: clinical testing. Allele origin: germline.

Ambry Genetics
Classification: Likely benign for Hereditary cancer-predisposing syndrome. Last evaluated: 2022-11-03. Review status: criteria provided, single submitter. Criteria: Ambry Variant Classification Scheme 2023. Collection method: clinical testing. Allele origin: germline.

Revvity Omics, Revvity
Classification: Uncertain significance. Last evaluated: 2022-02-04. Review status: criteria provided, single submitter. Criteria: ACMG Guidelines, 2015. Collection method: clinical testing. Allele origin: germline.

NM_144997.7(FLCN):c.190G>A (p.Ala64Thr)

Gene: FLCN (folliculin; minus strand). Cytogenetic location: 17p11.2.
Variant type: single nucleotide variant.
Coding change: c.190G>A on transcript NM_144997.7 (MANE Select); coding-DNA position 190, G replaced by A.
Protein change: p.Ala64Thr; replaces alanine 64 with threonine.
Molecular consequence: missense variant.
Genome position (GRCh38, 1-based): chr17:17,227,948, C>T on the plus strand (G>A on the coding strand, the complement: FLCN is on the minus strand). VCF-style: chr17-17227948-C-T. GRCh37 (hg19) VCF-style: chr17-17131262-C-T.
Other names: c.190G>A (LRG_325t1); c.190G>A, p.Ala64Thr (NM_001353229.2, NM_001353230.2, NM_001353231.2 and 1 more transcripts); short protein forms A64T.
Identifiers: ClinVar variation 650488 (VCV000650488.14), dbSNP rs778587763, ClinGen allele CA8416502.